The following is an entry in ClinVar:

NM_000136.3(FANCC):c.1155-1G>A

Genes: FANCC (FA complementation group C; minus strand), AOPEP (aminopeptidase O (putative); plus strand). Cytogenetic location: 9q22.32.
Variant type: single nucleotide variant.
Coding change: c.1155-1G>A on transcript NM_000136.3 (MANE Select); the canonical splice acceptor site of the intron before coding-DNA position 1155, G replaced by A.
Molecular consequence: splice acceptor variant.
Genome position (GRCh38, 1-based): chr9:95,111,638, C>T on the plus strand (G>A on the coding strand, the complement: FANCC is on the minus strand). VCF-style: chr9-95111638-C-T. GRCh37 (hg19) VCF-style: chr9-97873920-C-T.
Other names: c.1155-1G>A (NM_001243743.2, NM_001243744.2).
Identifiers: ClinVar variation 551788 (VCV000551788.3), dbSNP rs1554829575, ClinGen allele CA374107588.

ClinVar aggregate classification (germline): Likely pathogenic. Review status: criteria provided, single submitter (1 of 4 stars). 2 submissions from 2 submitters: Likely pathogenic (1). 1 of the submissions does not count toward it. Last evaluated 2023-09-29.

Conditions:
Fanconi anemia complementation group C (FANCC). Also called: FANCONI PANCYTOPENIA, TYPE 3; FACC; Fanconi anemia, group C; FANCC-Related Fanconi Anemia. Identifiers: Orphanet 84, MedGen C3468041, MONDO:0009213, OMIM 227645.
Hereditary cancer-predisposing syndrome. Also called: Hereditary neoplastic syndrome; Neoplastic Syndromes, Hereditary; Tumor predisposition; Hereditary Cancer Syndrome. Identifiers: Orphanet 140162, MedGen C0027672, MeSH D009386, MONDO:0015356.

Submissions (2):

Ambry Genetics
Classification: Likely pathogenic for Hereditary cancer-predisposing syndrome. Last evaluated: 2023-09-29. Review status: criteria provided, single submitter. Criteria: Ambry Variant Classification Scheme 2023. Collection method: clinical testing. Allele origin: germline.
Comment: The c.1155-1G>A intronic variant results from a G to A substitution one nucleotide upstream from coding exon 12 of the FANCC gene. This nucleotide position is highly conserved in available vertebrate species. In silico splice site analysis predicts that this alteration will weaken the native splice acceptor site and may result in the creation or strengthening of a novel splice acceptor site. Alterations that disrupt the canonical splice site are expected to cause aberrant splicing, resulting in an abnormal protein or a transcript that is subject to nonsense-mediated mRNA decay. As such, this alteration is classified as likely pathogenic.

Counsyl
Classification: Likely pathogenic for Fanconi anemia complementation group C. Last evaluated: 2017-10-04. Review status: no assertion criteria provided. Collection method: clinical testing. Allele origin: unknown. Not counted in ClinVar's aggregate classification.